The following is an entry in ClinVar:

NM_002454.3(MTRR):c.52A>G (p.Ile18Val)

Gene: MTRR (5-methyltetrahydrofolate-homocysteine methyltransferase reductase; plus strand). Cytogenetic location: 5p15.31.
Variant type: single nucleotide variant.
Coding change: c.52A>G on transcript NM_002454.3 (MANE Select); coding-DNA position 52, A replaced by G.
Protein change: p.Ile18Val; replaces isoleucine 18 with valine.
Molecular consequence: missense variant. On other transcripts: non-coding transcript variant (14).
Genome position (GRCh38, 1-based): chr5:7,870,846, A>G. VCF-style: chr5-7870846-A-G. GRCh37 (hg19) VCF-style: chr5-7870959-A-G.
Other names: c.52A>G, p.Ile18Val (NM_001364440.2, NM_001364441.2, NM_001364442.2 and 1 more transcripts); short protein forms I18V.
Identifiers: ClinVar variation 1448880 (VCV001448880.6), dbSNP rs753325140, ClinGen allele CA3195463.

ClinVar aggregate classification (germline): Uncertain significance. Review status: criteria provided, multiple submitters, no conflicts (2 of 4 stars). 2 submissions from 2 submitters: Uncertain significance (2). Last evaluated 2024-01-30.

Conditions:
Methylcobalamin deficiency type cblE (HMAE). Also called: HOMOCYSTINURIA-MEGALOBLASTIC ANEMIA, cblE TYPE; VITAMIN B12-RESPONSIVE HOMOCYSTINURIA, cblE TYPE; HOMOCYSTINURIA-MEGALOBLASTIC ANEMIA, cblE COMPLEMENTATION TYPE. Identifiers: Orphanet 2169, Orphanet 622, MedGen C1856057, MONDO:0009354, OMIM 236270.
Neural tube defects, folate-sensitive (NTDFS). Also called: NTD, FOLATE-SENSITIVE. Identifiers: Orphanet 823, MedGen C1866558, MONDO:0011120, OMIM 601634.

Allele frequency attached by ClinVar (database versions not stated): gnomAD 0.00001; ExAC 0.00002; gnomAD exomes 0.00002 and 0.00003; TOPMed 0.00002.
gnomAD v4.1: 12 of 1,614,148 alleles (0.00074%); highest among the groups gnomAD compares: Admixed American, 0.012%; no homozygotes.

Submissions (2):

Fulgent Genetics
Classification: Uncertain significance for Methylcobalamin deficiency type cblE; Neural tube defects, folate-sensitive. Last evaluated: 2024-01-30. Review status: criteria provided, single submitter. Criteria: ACMG Guidelines, 2015. Collection method: clinical testing. Allele origin: germline.

Labcorp Genetics (formerly Invitae), Labcorp
Classification: Uncertain significance for Methylcobalamin deficiency type cblE. Last evaluated: 2021-08-20. Review status: criteria provided, single submitter. Criteria: Invitae Variant Classification Sherloc (09022015). Collection method: clinical testing. Allele origin: germline.
Comment: This sequence change replaces isoleucine with valine at codon 18 of the MTRR protein (p.Ile18Val). The isoleucine residue is highly conserved and there is a small physicochemical difference between isoleucine and valine. This variant is present in population databases (rs753325140, ExAC 0.006%). This variant has not been reported in the literature in individuals affected with MTRR-related conditions. Algorithms developed to predict the effect of missense changes on protein structure and function are either unavailable or do not agree on the potential impact of this missense change (SIFT: "Tolerated"; PolyPhen-2: "Probably Damaging"; Align-GVGD: "Class C0"). In summary, the available evidence is currently insufficient to determine the role of this variant in disease. Therefore, it has been classified as a Variant of Uncertain Significance.